The following is an entry in ClinVar:

NM_032271.3(TRAF7):c.1014C>T (p.Asp338=)

Gene: TRAF7 (TNF receptor associated factor 7; plus strand). Cytogenetic location: 16p13.3.
Variant type: single nucleotide variant.
Coding change: c.1014C>T on transcript NM_032271.3 (MANE Select); coding-DNA position 1014, C replaced by T.
Protein change: p.Asp338=; no amino-acid change (aspartic acid 338 retained).
Molecular consequence: synonymous variant.
Genome position (GRCh38, 1-based): chr16:2,173,482, C>T. VCF-style: chr16-2173482-C-T. GRCh37 (hg19) VCF-style: chr16-2223483-C-T.
Identifiers: ClinVar variation 1342342 (VCV001342342.32), dbSNP rs201641425, ClinGen allele CA7834795.
Genomic context (GRCh38, chr16:2,173,482, plus strand): 5'-GCAGGGGCCTGGCCACTGCTCCGGGCACCAGTGACACCCCCTCTCCTCCTGCTACTCAGA[C>T]GTCCTGGACGAAAACCAGAGCAAGCTCAGCGAGGACCTCATGGAGTTCCGGCGGGACGCA-3'
Protein context (NP_115647.2, residues 328-348): QLEKSLELKF[Asp338=]VLDENQSKLS

ClinVar aggregate classification (germline): Conflicting classifications of pathogenicity. Review status: criteria provided, conflicting classifications (1 of 4 stars). 2 submissions from 2 submitters: Uncertain significance (1); Likely benign (1). Last evaluated 2022-06-01.

Conditions:
Cardiac, facial, and digital anomalies with developmental delay. Identifiers: Orphanet 592570, MedGen C4748484, MONDO:0032572, OMIM 618164.

Allele frequency attached by ClinVar (database versions not stated): gnomAD 0.00001; TOPMed 0.00001; gnomAD exomes 0.00002; ExAC 0.00003.
gnomAD v4.1: 24 of 1,613,224 alleles (0.0015%); highest among the groups gnomAD compares: Non-Finnish European, 0.0019%; no homozygotes.

Submissions (2):

CeGaT Center for Human Genetics Tuebingen
Classification: Likely benign. Last evaluated: 2022-06-01. Review status: criteria provided, single submitter. Criteria: CeGaT Center For Human Genetics Tuebingen Variant Classification Criteria Version 2. Collection method: clinical testing. Allele origin: germline. Affected: yes. Observed: 1 variant allele.
Comment: TRAF7: BP4, BP7

New York Genome Center
Classification: Uncertain significance for Cardiac, facial, and digital anomalies with developmental delay. Last evaluated: 2021-05-14. Review status: criteria provided, single submitter. Criteria: NYGC Assertion Criteria 2020. Collection method: clinical testing. Allele origin: inherited. Observed: 1 heterozygote. Study: CSER-NYCKidSeq.